The following is an entry in ClinVar:

ClinVar aggregate classification (germline): Uncertain significance (1 of 4 stars; one submission).

Conditions:
Charcot-Marie-Tooth disease, type I (CMT1). Also called: Charcot-Marie-Tooth disease type 1; Charcot-Marie-Tooth, Type 1. Identifiers: Orphanet 65753, MedGen C0751036, MONDO:0019011.

Submission:

Labcorp Genetics (formerly Invitae), Labcorp
Classification: Uncertain significance for Charcot-Marie-Tooth disease, type I. Last evaluated: 2016-09-20. Review status: criteria provided, single submitter. Criteria: Invitae Variant Classification Sherloc (09022015). Collection method: clinical testing. Allele origin: germline.
Comment: In summary, this is a novel in-frame deletion with uncertain impact on protein function. Therefore, it has been classified as a Variant of Uncertain Significance. This variant is not present in population databases (ExAC no frequency) and has not been reported in the literature in individuals with a MPZ-related disease. This sequence change deletes 6 nucleotides from exon 3 of the MPZ mRNA (c.305_310delTAGGGG). This leads to the deletion of 2 amino acid residues in the MPZ protein (p.Val102_Gly103del) but otherwise preserves the integrity of the reading frame.

NM_000530.8(MPZ):c.305_310del (p.Val102_Gly103del)

Gene: MPZ (myelin protein zero; minus strand). Cytogenetic location: 1q23.3.
Variant type: Deletion.
Coding change: c.305_310del on transcript NM_000530.8 (MANE Select); coding-DNA positions 305 to 310, 6 bases deleted (TAGGGG; older notation c.305_310delTAGGGG).
Protein change: p.Val102_Gly103del.
Molecular consequence: inframe deletion.
Genome position (GRCh38, 1-based): chr1:161,306,846-161,306,851, CCCCTA deleted on the plus strand (TAGGGG on the coding strand, the reverse complement: MPZ is on the minus strand); deleting any 6 consecutive bases within chr1:161,306,846-161,306,854 gives the same sequence; the c. name uses the placement nearest the transcript's 3' end. VCF-style (leftmost placement, unchanged base first): chr1-161306845-TCCCCTA-T. GRCh37 (hg19) VCF-style: chr1-161276635-TCCCCTA-T.
Other names: c.305_310del (LRG_256t1); c.305_310del, p.Val102_Gly103del (NM_001315491.2).
Identifiers: ClinVar variation 411667 (VCV000411667.6), dbSNP rs1060503419, ClinGen allele CA16609903.